The following is an entry in ClinVar:

ClinVar aggregate classification (germline): Benign. Review status: criteria provided, multiple submitters, no conflicts (2 of 4 stars). 4 submissions from 4 submitters: Benign (3). 1 of the submissions does not count toward it. Last evaluated 2026-02-03.

Conditions:
FAT2-related disorder. Also called: FAT2-related condition.
Spinocerebellar ataxia 45. Identifiers: Orphanet 589527, MedGen C4540400, MONDO:0033480, OMIM 617769.

Allele frequency attached by ClinVar (database versions not stated): 1000 Genomes Project 0.41134; 1000 Genomes Project 30x 0.41302; gnomAD exomes 0.46454; ESP Exome Variant Server 0.48816; ExAC 0.46572; TOPMed 0.46846; gnomAD 0.47847 and 0.48264.
gnomAD v4.1: 810,711 of 1,613,604 alleles (50%); highest among the groups gnomAD compares: Non-Finnish European, 53%; 207,161 homozygotes.

Submissions (4):

Labcorp Genetics (formerly Invitae), Labcorp
Classification: Benign. Last evaluated: 2026-02-03. Review status: criteria provided, single submitter. Criteria: Invitae Variant Classification Sherloc (09022015). Collection method: clinical testing. Allele origin: germline.

Genome-Nilou Lab
Classification: Benign for Spinocerebellar ataxia 45. Last evaluated: 2021-08-10. Review status: criteria provided, single submitter. Criteria: ACMG Guidelines, 2015. Collection method: clinical testing. Allele origin: germline. Affected: no.

GeneDx
Classification: Benign. Last evaluated: 2021-05-04. Review status: criteria provided, single submitter. Criteria: GeneDx Variant Classification Process June 2021. Collection method: clinical testing. Allele origin: germline. Affected: yes.

PreventionGenetics, part of Exact Sciences
Classification: Benign for FAT2-related condition. Last evaluated: 2019-07-08. Review status: no assertion criteria provided. Collection method: clinical testing. Allele origin: germline. Not counted in ClinVar's aggregate classification.
Comment: This variant is classified as benign based on ACMG/AMP sequence variant interpretation guidelines (Richards et al. 2015 PMID: 25741868, with internal and published modifications).

NM_001447.3(FAT2):c.3375C>T (p.Ile1125=)

Gene: FAT2 (FAT atypical cadherin 2; minus strand). Cytogenetic location: 5q33.1.
Variant type: single nucleotide variant.
Coding change: c.3375C>T on transcript NM_001447.3 (MANE Select); coding-DNA position 3375, C replaced by T.
Protein change: p.Ile1125=; no amino-acid change (isoleucine 1125 retained).
Molecular consequence: synonymous variant.
Genome position (GRCh38, 1-based): chr5:151,563,524, G>A on the plus strand (C>T on the coding strand, the complement: FAT2 is on the minus strand). VCF-style: chr5-151563524-G-A. GRCh37 (hg19) VCF-style: chr5-150943085-G-A.
Identifiers: ClinVar variation 1226726 (VCV001226726.11), dbSNP rs2304054, ClinGen allele CA3521850.